The following is an entry in ClinVar:

NM_001347721.2(DYRK1A):c.1623C>T (p.Asp541=)

Gene: DYRK1A (dual specificity tyrosine phosphorylation regulated kinase 1A; plus strand). Cytogenetic location: 21q22.13.
Variant type: single nucleotide variant.
Coding change: c.1623C>T on transcript NM_001347721.2 (MANE Select); coding-DNA position 1623, C replaced by T.
Protein change: p.Asp541=; no amino-acid change (aspartic acid 541 retained).
Molecular consequence: synonymous variant. On other transcripts: intron variant (1).
Genome position (GRCh38, 1-based): chr21:37,506,202, C>T. VCF-style: chr21-37506202-C-T. GRCh37 (hg19) VCF-style: chr21-38878505-C-T.
Other names: c.1623C>T, p.Asp541= (NM_001347722.2, NM_130436.2); c.1536C>T, p.Asp512= (NM_001347723.2); c.1650C>T, p.Asp550= (NM_001396.5, NM_101395.2); c.1546+613C>T (NM_130438.2); c.1650C>T (NM_001396.4).
Identifiers: ClinVar variation 1578651 (VCV001578651.9), dbSNP rs2053592476, ClinGen allele CA512093338.

ClinVar aggregate classification (germline): Likely benign. Review status: criteria provided, multiple submitters, no conflicts (2 of 4 stars). 2 submissions from 2 submitters: Likely benign (2). Last evaluated 2025-04-11.

Conditions:
DYRK1A-related intellectual disability syndrome (MRD7). Also called: DYRK1A Syndrome; Intellectual developmental disorder, autosomal dominant 7. Identifiers: Orphanet 464306, MedGen C5568143, MONDO:0013578, OMIM 614104.
DYRK1A-related disorder.

Allele frequency attached by ClinVar (database versions not stated): TOPMed below 0.00001.

Submissions (2):

PreventionGenetics, part of Exact Sciences
Classification: Likely benign for DYRK1A-related condition. Last evaluated: 2025-04-11. Review status: criteria provided, single submitter. Criteria: ACMG Guidelines, 2015. Collection method: clinical testing. Allele origin: germline.
Comment: This variant is classified as likely benign based on ACMG/AMP sequence variant interpretation guidelines (Richards et al. 2015 PMID: 25741868, with internal and published modifications).

Labcorp Genetics (formerly Invitae), Labcorp
Classification: Likely benign for DYRK1A-related intellectual disability syndrome. Last evaluated: 2024-02-28. Review status: criteria provided, single submitter. Criteria: Invitae Variant Classification Sherloc (09022015). Collection method: clinical testing. Allele origin: germline.